The following is an entry in ClinVar:

NM_001349253.2(SCN11A):c.4867T>C (p.Phe1623Leu)

Gene: SCN11A (sodium voltage-gated channel alpha subunit 11; minus strand). Cytogenetic location: 3p22.2.
Variant type: single nucleotide variant.
Coding change: c.4867T>C on transcript NM_001349253.2 (MANE Select); coding-DNA position 4867, T replaced by C.
Protein change: p.Phe1623Leu; replaces phenylalanine 1623 with leucine.
Molecular consequence: missense variant.
Genome position (GRCh38, 1-based): chr3:38,847,203, A>G on the plus strand (T>C on the coding strand, the complement: SCN11A is on the minus strand). VCF-style: chr3-38847203-A-G. GRCh37 (hg19) VCF-style: chr3-38888694-A-G.
Other names: c.4867T>C, p.Phe1623Leu (NM_014139.3); short protein forms F1623L.
Identifiers: ClinVar variation 854450 (VCV000854450.9), dbSNP rs748282698, ClinGen allele CA2321448.

ClinVar aggregate classification (germline): Uncertain significance. Review status: criteria provided, multiple submitters, no conflicts (2 of 4 stars). 4 submissions from 4 submitters: Uncertain significance (4). Last evaluated 2026-02-19.

Conditions:
SCN11A-related disorder. Also called: SCN11A-related condition.
Inborn genetic diseases. Identifiers: MedGen C0950123, MeSH D030342.
Hereditary sensory and autonomic neuropathy type 7. Also called: HSAN VII; Neuropathy, hereditary sensory and autonomic, type VII. Identifiers: Orphanet 391397, MedGen C3809882, MONDO:0014244, OMIM 615548.
Familial episodic pain syndrome with predominantly lower limb involvement. Also called: Episodic pain syndrome, familial, 3. Identifiers: Orphanet 391384, Orphanet 391392, MedGen C3809899, MONDO:0014247, OMIM 615552.

Allele frequency attached by ClinVar (database versions not stated): gnomAD exomes 0.00002 and 0.00007; ExAC 0.00003; gnomAD 0.00003; TOPMed 0.00003.

Submissions (4):

GeneDx
Classification: Uncertain significance. Last evaluated: 2026-02-19. Review status: criteria provided, single submitter. Criteria: GeneDx Variant Classification Process June 2021. Collection method: clinical testing. Allele origin: germline.
Comment: In silico analysis supports that this missense variant has a deleterious effect on protein structure/function; Has not been previously published as pathogenic or benign to our knowledge

PreventionGenetics, part of Exact Sciences
Classification: Uncertain significance for SCN11A-related condition. Last evaluated: 2026-01-12. Review status: criteria provided, single submitter. Criteria: ACMG Guidelines, 2015. Collection method: clinical testing. Allele origin: germline.
Comment: The SCN11A c.4867T>C variant is predicted to result in the amino acid substitution p.Phe1623Leu. To our knowledge, this variant has not been reported in the literature. This variant is reported in 0.0062% of alleles in individuals of African descent in gnomAD. At this time, the clinical significance of this variant is uncertain due to the absence of conclusive functional and genetic evidence.

Labcorp Genetics (formerly Invitae), Labcorp
Classification: Uncertain significance for Familial episodic pain syndrome with predominantly lower limb involvement; Hereditary sensory and autonomic neuropathy type 7. Last evaluated: 2024-09-01. Review status: criteria provided, single submitter. Criteria: Invitae Variant Classification Sherloc (09022015). Collection method: clinical testing. Allele origin: germline.
Comment: This sequence change replaces phenylalanine, which is neutral and non-polar, with leucine, which is neutral and non-polar, at codon 1623 of the SCN11A protein (p.Phe1623Leu). This variant is present in population databases (rs748282698, gnomAD 0.007%). This variant has not been reported in the literature in individuals affected with SCN11A-related conditions. ClinVar contains an entry for this variant (Variation ID: 854450). Invitae Evidence Modeling of protein sequence and biophysical properties (such as structural, functional, and spatial information, amino acid conservation, physicochemical variation, residue mobility, and thermodynamic stability) indicates that this missense variant is not expected to disrupt SCN11A protein function with a negative predictive value of 80%. In summary, the available evidence is currently insufficient to determine the role of this variant in disease. Therefore, it has been classified as a Variant of Uncertain Significance.

Ambry Genetics
Classification: Uncertain significance for Inborn genetic diseases. Last evaluated: 2022-09-14. Review status: criteria provided, single submitter. Criteria: Ambry Variant Classification Scheme 2023. Collection method: clinical testing. Allele origin: germline.
Comment: The p.F1623L variant (also known as c.4867T>C), located in coding exon 26 of the SCN11A gene, results from a T to C substitution at nucleotide position 4867. The phenylalanine at codon 1623 is replaced by leucine, an amino acid with highly similar properties. This amino acid position is highly conserved in available vertebrate species. In addition, the in silico prediction for this alteration is inconclusive. Since supporting evidence is limited at this time, the clinical significance of this alteration remains unclear.